The following is an entry in ClinVar:

ClinVar aggregate classification (germline): Uncertain significance (1 of 4 stars; one submission).

gnomAD v4.1: 21 of 1,537,142 alleles (0.0014%); highest among the groups gnomAD compares: Admixed American, 0.002%; no homozygotes.

Submission:

Mayo Clinic Laboratories, Mayo Clinic
Classification: Uncertain significance. Last evaluated: 2025-07-01. Review status: criteria provided, single submitter. Criteria: ACMG Guidelines, 2015. Collection method: clinical testing. Allele origin: germline. Observed: 1 variant allele.
Comment: BP4_moderate, PM2_supporting

NM_001256071.3(RNF213):c.4592G>A (p.Arg1531His)

Gene: RNF213 (ring finger protein 213; plus strand). Cytogenetic location: 17q25.3.
Variant type: single nucleotide variant.
Coding change: c.4592G>A on transcript NM_001256071.3 (MANE Select); coding-DNA position 4592, G replaced by A.
Protein change: p.Arg1531His; replaces arginine 1531 with histidine.
Molecular consequence: missense variant.
Genome position (GRCh38, 1-based): chr17:80,337,650, G>A. VCF-style: chr17-80337650-G-A. GRCh37 (hg19) VCF-style: chr17-78311450-G-A.
Other names: p.Arg1531His; c.4739G>A, p.Arg1580His (NM_001410195.1, NM_020914.5); short protein forms R1531H, R1580H.
Identifiers: ClinVar variation 4542232 (VCV004542232.1).